The following is an entry in ClinVar:

NM_012210.4(TRIM32):c.1871T>C (p.Leu624Pro)

Genes: ASTN2 (astrotactin 2; minus strand), TRIM32 (tripartite motif containing 32; plus strand). Cytogenetic location: 9q33.1.
Variant type: single nucleotide variant.
Coding change: c.1871T>C on transcript NM_012210.4 (MANE Select); coding-DNA position 1871, T replaced by C.
Protein change: p.Leu624Pro; replaces leucine 624 with proline.
Molecular consequence: missense variant. On other transcripts: intron variant (3).
Genome position (GRCh38, 1-based): chr9:116,699,613, T>C. VCF-style: chr9-116699613-T-C. GRCh37 (hg19) VCF-style: chr9-119461892-T-C.
Other names: c.2653+26158A>G (NM_014010.5); c.2794+26158A>G (NM_001365069.1); c.2806+26158A>G (NM_001365068.1); c.1871T>C, p.Leu624Pro (NM_001099679.2, NM_001379048.1, NM_001379049.1 and 1 more transcripts); short protein forms L624P.
Identifiers: ClinVar variation 1431428 (VCV001431428.8), dbSNP rs761193342, ClinGen allele CA5211223.

ClinVar aggregate classification (germline): Uncertain significance (1 of 4 stars; one submission).

Conditions:
Bardet-Biedl syndrome (BBS). Identifiers: Orphanet 110, MedGen C0752166, MONDO:0015229.

Allele frequency attached by ClinVar (database versions not stated): gnomAD exomes below 0.00001; ExAC 0.00001; TOPMed 0.00001.
gnomAD v4.1: 5 of 1,614,228 alleles (0.00031%); highest among the groups gnomAD compares: Non-Finnish European, 0.00034%; no homozygotes.

Submission:

Labcorp Genetics (formerly Invitae), Labcorp
Classification: Uncertain significance for Bardet-Biedl syndrome. Last evaluated: 2023-09-25. Review status: criteria provided, single submitter. Criteria: Invitae Variant Classification Sherloc (09022015). Collection method: clinical testing. Allele origin: germline.
Comment: This variant is present in population databases (rs761193342, gnomAD 0.0009%). This variant has not been reported in the literature in individuals affected with TRIM32-related conditions. ClinVar contains an entry for this variant (Variation ID: 1431428). An algorithm developed to predict the effect of missense changes on protein structure and function (PolyPhen-2) suggests that this variant is likely to be disruptive. In summary, the available evidence is currently insufficient to determine the role of this variant in disease. Therefore, it has been classified as a Variant of Uncertain Significance. This sequence change replaces leucine, which is neutral and non-polar, with proline, which is neutral and non-polar, at codon 624 of the TRIM32 protein (p.Leu624Pro).